The following is an entry in ClinVar:

NM_015100.4(POGZ):c.3709G>A (p.Glu1237Lys)

Gene: POGZ (pogo transposable element derived with ZNF domain; minus strand). Cytogenetic location: 1q21.3.
Variant type: single nucleotide variant.
Coding change: c.3709G>A on transcript NM_015100.4 (MANE Select); coding-DNA position 3709, G replaced by A.
Protein change: p.Glu1237Lys; replaces glutamic acid 1237 with lysine.
Molecular consequence: missense variant.
Genome position (GRCh38, 1-based): chr1:151,405,326, C>T on the plus strand (G>A on the coding strand, the complement: POGZ is on the minus strand). VCF-style: chr1-151405326-C-T. GRCh37 (hg19) VCF-style: chr1-151377802-C-T.
Other names: c.3682G>A, p.Glu1228Lys (NM_001194937.2); c.3523G>A, p.Glu1175Lys (NM_001194938.2); c.3730G>A, p.Glu1244Lys (NM_001410860.1); c.3424G>A, p.Glu1142Lys (NM_145796.4); c.3550G>A, p.Glu1184Lys (NM_207171.2); short protein forms E1142K, E1175K, E1184K, E1228K, E1237K, E1244K.
Identifiers: ClinVar variation 3368146 (VCV003368146.1).

ClinVar aggregate classification (germline): Uncertain significance (1 of 4 stars; one submission).

Submission:

GeneDx
Classification: Uncertain significance. Last evaluated: 2024-01-21. Review status: criteria provided, single submitter. Criteria: GeneDx Variant Classification Process June 2021. Collection method: clinical testing. Allele origin: germline. Affected: yes.
Comment: Has not been previously published as pathogenic or benign to our knowledge; Not observed at significant frequency in large population cohorts (gnomAD); In silico analysis supports that this missense variant does not alter protein structure/function